The following is an entry in ClinVar:

ClinVar aggregate classification (germline): Benign/Likely benign. Review status: criteria provided, multiple submitters, no conflicts (2 of 4 stars). 13 submissions from 12 submitters: Benign (3); Likely benign (7). 3 of the submissions do not count toward it. Last evaluated 2026-08-01.

Conditions:
MYH9-related disorder. Identifiers: MedGen C1854520.
Autosomal dominant nonsyndromic hearing loss 17. Also called: Deafness, autosomal dominant 17; Autosomal dominant nonsyndromic deafness 17. Identifiers: Orphanet 90635, MedGen C1863659, MONDO:0011350, OMIM 603622.

Allele frequency attached by ClinVar (database versions not stated): 1000 Genomes Project 30x 0.00062; ESP Exome Variant Server 0.00077; 1000 Genomes Project 0.00080; gnomAD exomes 0.00098 and 0.00119; ExAC 0.00105; gnomAD 0.00119 and 0.00124; TOPMed 0.00119.
gnomAD v4.1: 1,696 of 1,613,820 alleles (0.11%); highest among the groups gnomAD compares: Middle Eastern, 3.1%; 14 homozygotes.

Submissions (13):

CeGaT Center for Human Genetics Tuebingen
Classification: Likely benign. Last evaluated: 2026-08-01. Review status: criteria provided, single submitter. Criteria: CeGaT Center For Human Genetics Tuebingen Variant Classification Criteria Version 2. Collection method: clinical testing. Allele origin: germline. Affected: yes. Observed: 4 variant alleles.
Comment: MYH9: BP4, BP7, BS1

Labcorp Genetics (formerly Invitae), Labcorp
Classification: Benign. Last evaluated: 2026-01-20. Review status: criteria provided, single submitter. Criteria: Invitae Variant Classification Sherloc (09022015). Collection method: clinical testing. Allele origin: germline.

Mayo Clinic Laboratories, Mayo Clinic
Classification: Likely benign. Last evaluated: 2025-06-12. Review status: criteria provided, single submitter. Criteria: ACMG Guidelines, 2015. Collection method: clinical testing. Allele origin: germline. Observed: 2 variant alleles.
Comment: BS2, BP4, BP7

Blueprint Genetics
Classification: Likely benign. Last evaluated: 2024-11-25. Review status: criteria provided, single submitter. Criteria: ACMG Guidelines, 2015. Collection method: clinical testing. Allele origin: germline.

ARUP Laboratories, Molecular Genetics and Genomics, ARUP Laboratories
Classification: Benign. Last evaluated: 2024-10-23. Review status: criteria provided, single submitter. Criteria: ARUP Molecular Germline Variant Investigation Process 2024. Collection method: clinical testing. Allele origin: germline.

GeneDx
Classification: Likely benign. Last evaluated: 2021-03-03. Review status: criteria provided, single submitter. Criteria: GeneDx Variant Classification Process June 2021. Collection method: clinical testing. Allele origin: germline. Affected: yes.

Illumina Laboratory Services, Illumina
Classification: Likely benign for Autosomal dominant nonsyndromic hearing loss 17. Last evaluated: 2018-01-13. Review status: criteria provided, single submitter. Criteria: ICSL Variant Classification Criteria 13 December 2019. Collection method: clinical testing. Allele origin: germline.
Comment: This variant was observed in the ICSL laboratory as part of a predisposition screen in an ostensibly healthy population. It had not been previously curated by ICSL or reported in the Human Gene Mutation Database (HGMD: prior to June 1st, 2018), and was therefore a candidate for classification through an automated scoring system. Utilizing variant allele frequency, disease prevalence and penetrance estimates, and inheritance mode, an automated score was calculated to assess if this variant is too frequent to cause the disease. Based on the score and internal cut-off values, a variant classified as likely benign is not then subjected to further curation. The score for this variant resulted in a classification of likely benign for this disease.

Illumina Laboratory Services, Illumina
Classification: Benign for MYH9-related disorder. Last evaluated: 2018-01-13. Review status: criteria provided, single submitter. Criteria: ICSL Variant Classification Criteria 13 December 2019. Collection method: clinical testing. Allele origin: germline.
Comment: This variant was observed in the ICSL laboratory as part of a predisposition screen in an ostensibly healthy population. It had not been previously curated by ICSL or reported in the Human Gene Mutation Database (HGMD: prior to June 1st, 2018), and was therefore a candidate for classification through an automated scoring system. Utilizing variant allele frequency, disease prevalence and penetrance estimates, and inheritance mode, an automated score was calculated to assess if this variant is too frequent to cause the disease. Based on the score and internal cut-off values, a variant classified as benign is not then subjected to further curation. The score for this variant resulted in a classification of benign for this disease.

Laboratory for Molecular Medicine, Mass General Brigham Personalized Medicine
Classification: Likely benign. Last evaluated: 2012-04-30. Review status: criteria provided, single submitter. Criteria: LMM Criteria. Collection method: clinical testing. Allele origin: germline. Observed: 12 variant alleles.
Comment: p.Thr386Thr in exon 11 of MYH9: This variant is not expected to have clinical si gnificance because it does not alter an amino acid residue, is not located withi n the splice consensus sequence, and has been identified in 0.1% (89/66688) of E uropean chromosomes and in 0.1% (22/16502) of South Asian chromosomes by the Exo me Aggregation Consortium(dbSNP rs138502859).

Breakthrough Genomics
Classification: Likely benign. Review status: criteria provided, single submitter. Criteria: ACMG Guidelines, 2015. Collection method: not provided. Allele origin: germline. Inheritance: Autosomal dominant inheritance. Affected: yes.

PreventionGenetics, part of Exact Sciences
Classification: Benign for MYH9-related condition. Last evaluated: 2023-05-22. Review status: no assertion criteria provided. Collection method: clinical testing. Allele origin: germline. Not counted in ClinVar's aggregate classification.
Comment: This variant is classified as benign based on ACMG/AMP sequence variant interpretation guidelines (Richards et al. 2015 PMID: 25741868, with internal and published modifications).

Clinical Genetics DNA and cytogenetics Diagnostics Lab, Erasmus MC, Erasmus Medical Center
Classification: Likely benign. Review status: no assertion criteria provided. Collection method: clinical testing. Allele origin: germline. Affected: yes. Study: VKGL Data-share Consensus. Not counted in ClinVar's aggregate classification.

Genome Diagnostics Laboratory, University Medical Center Utrecht
Classification: Likely benign. Review status: no assertion criteria provided. Collection method: clinical testing. Allele origin: germline. Affected: yes. Study: VKGL Data-share Consensus. Not counted in ClinVar's aggregate classification.

NM_002473.6(MYH9):c.1158C>T (p.Thr386=)

Gene: MYH9 (myosin heavy chain 9; minus strand). Cytogenetic location: 22q12.3.
Variant type: single nucleotide variant.
Coding change: c.1158C>T on transcript NM_002473.6 (MANE Select); coding-DNA position 1158, C replaced by T.
Protein change: p.Thr386=; no amino-acid change (threonine 386 retained).
Molecular consequence: synonymous variant.
Genome position (GRCh38, 1-based): chr22:36,318,276, G>A on the plus strand (C>T on the coding strand, the complement: MYH9 is on the minus strand). VCF-style: chr22-36318276-G-A. GRCh37 (hg19) VCF-style: chr22-36714321-G-A.
Other names: p.Thr386=.
Identifiers: ClinVar variation 164460 (VCV000164460.49), dbSNP rs138502859, ClinGen allele CA177144.